The following is an entry in ClinVar:

ClinVar aggregate classification (germline): Uncertain significance. Review status: criteria provided, multiple submitters, no conflicts (2 of 4 stars). 3 submissions from 3 submitters: Uncertain significance (3). Last evaluated 2024-05-29.

Conditions:
Inborn genetic diseases. Identifiers: MedGen C0950123, MeSH D030342.
Bardet-Biedl syndrome 4 (BBS4). Identifiers: Orphanet 110, MedGen C2936864, MONDO:0014433, OMIM 615982.
Bardet-Biedl syndrome (BBS). Identifiers: Orphanet 110, MedGen C0752166, MONDO:0015229.

Allele frequency attached by ClinVar (database versions not stated): gnomAD exomes below 0.00001 and 0.00001; gnomAD 0.00001; TOPMed 0.00001; ExAC 0.00002.
gnomAD v4.1: 4 of 1,611,396 alleles (0.00025%); highest among the groups gnomAD compares: African/African-American, 0.004%; no homozygotes.

Submissions (3):

Ambry Genetics
Classification: Uncertain significance for Inborn genetic diseases. Last evaluated: 2024-05-29. Review status: criteria provided, single submitter. Criteria: Ambry Variant Classification Scheme 2023. Collection method: clinical testing. Allele origin: germline.

Fulgent Genetics
Classification: Uncertain significance for Bardet-Biedl syndrome 4. Last evaluated: 2024-01-06. Review status: criteria provided, single submitter. Criteria: ACMG Guidelines, 2015. Collection method: clinical testing. Allele origin: germline.

Labcorp Genetics (formerly Invitae), Labcorp
Classification: Uncertain significance for Bardet-Biedl syndrome. Last evaluated: 2022-07-12. Review status: criteria provided, single submitter. Criteria: Invitae Variant Classification Sherloc (09022015). Collection method: clinical testing. Allele origin: germline.
Comment: This sequence change replaces proline, which is neutral and non-polar, with leucine, which is neutral and non-polar, at codon 27 of the BBS4 protein (p.Pro27Leu). This variant is present in population databases (rs748048479, gnomAD 0.01%). This variant has not been reported in the literature in individuals affected with BBS4-related conditions. ClinVar contains an entry for this variant (Variation ID: 943355). Algorithms developed to predict the effect of missense changes on protein structure and function output the following: SIFT: "Deleterious"; PolyPhen-2: "Benign"; Align-GVGD: "Class C0". The leucine amino acid residue is found in multiple mammalian species, which suggests that this missense change does not adversely affect protein function. In summary, the available evidence is currently insufficient to determine the role of this variant in disease. Therefore, it has been classified as a Variant of Uncertain Significance.

NM_033028.5(BBS4):c.80C>T (p.Pro27Leu)

Gene: BBS4 (Bardet-Biedl syndrome 4; plus strand). Cytogenetic location: 15q24.1.
Variant type: single nucleotide variant.
Coding change: c.80C>T on transcript NM_033028.5 (MANE Select); coding-DNA position 80, C replaced by T.
Protein change: p.Pro27Leu; replaces proline 27 with leucine.
Molecular consequence: missense variant. On other transcripts: 5 prime UTR variant (1), non-coding transcript variant (2).
Genome position (GRCh38, 1-based): chr15:72,709,703, C>T. VCF-style: chr15-72709703-C-T. GRCh37 (hg19) VCF-style: chr15-73002044-C-T.
Other names: c.-442C>T (NM_001252678.2); c.80C>T, p.Pro27Leu (NM_001320665.2); c.80C>T (NM_033028.3); short protein forms P27L.
Identifiers: ClinVar variation 943355 (VCV000943355.9), dbSNP rs748048479, ClinGen allele CA7646496.